The following is an entry in ClinVar:

ClinVar aggregate classification (germline): Likely benign. Review status: criteria provided, single submitter (1 of 4 stars). 2 submissions from 2 submitters: Likely benign (1). 1 of the submissions does not count toward it. Last evaluated 2025-05-18.

Conditions:
BLOC1S3-related disorder. Also called: BLOC1S3-related condition.

Allele frequency attached by ClinVar (database versions not stated): gnomAD exomes 0.00001; gnomAD 0.00001.
gnomAD v4.1: 5 of 1,523,160 alleles (0.00033%); highest among the groups gnomAD compares: Middle Eastern, 0.022%; no homozygotes.

Submissions (2):

Labcorp Genetics (formerly Invitae), Labcorp
Classification: Likely benign. Last evaluated: 2025-05-18. Review status: criteria provided, single submitter. Criteria: Invitae Variant Classification Sherloc (09022015). Collection method: clinical testing. Allele origin: germline.

PreventionGenetics, part of Exact Sciences
Classification: Likely benign for BLOC1S3-related condition. Last evaluated: 2019-06-12. Review status: no assertion criteria provided. Collection method: clinical testing. Allele origin: germline. Not counted in ClinVar's aggregate classification.
Comment: This variant is classified as likely benign based on ACMG/AMP sequence variant interpretation guidelines (Richards et al. 2015 PMID: 25741868, with internal and published modifications).

NM_212550.5(BLOC1S3):c.225C>T (p.Ala75=)

Gene: BLOC1S3 (biogenesis of lysosomal organelles complex 1 subunit 3; plus strand). Cytogenetic location: 19q13.32.
Variant type: single nucleotide variant.
Coding change: c.225C>T on transcript NM_212550.5 (MANE Select); coding-DNA position 225, C replaced by T.
Protein change: p.Ala75=; no amino-acid change (alanine 75 retained).
Molecular consequence: synonymous variant.
Genome position (GRCh38, 1-based): chr19:45,179,521, C>T. VCF-style: chr19-45179521-C-T. GRCh37 (hg19) VCF-style: chr19-45682779-C-T.
Identifiers: ClinVar variation 2977948 (VCV002977948.5), dbSNP rs1435023179, ClinGen allele CA507952330.